The following is an entry in ClinVar:

ClinVar aggregate classification (germline): Conflicting classifications of pathogenicity. Review status: criteria provided, conflicting classifications (1 of 4 stars). 2 submissions from 2 submitters: Uncertain significance (1); Likely benign (1). Last evaluated 2025-12-21.

Allele frequency attached by ClinVar (database versions not stated): 1000 Genomes Project 30x 0.00016; 1000 Genomes Project 0.00020; TOPMed 0.00003; gnomAD exomes 0.00001; gnomAD 0.00004.
gnomAD v4.1: 28 of 1,609,808 alleles (0.0017%); highest among the groups gnomAD compares: East Asian, 0.056%; no homozygotes.

Submissions (2):

Labcorp Genetics (formerly Invitae), Labcorp
Classification: Likely benign. Last evaluated: 2025-12-21. Review status: criteria provided, single submitter. Criteria: Invitae Variant Classification Sherloc (09022015). Collection method: clinical testing. Allele origin: germline.

GeneDx
Classification: Uncertain significance. Last evaluated: 2022-12-12. Review status: criteria provided, single submitter. Criteria: GeneDx Variant Classification Process June 2021. Collection method: clinical testing. Allele origin: germline. Affected: yes.
Comment: In silico analysis supports that this variant does not alter splicing; Has not been previously published as pathogenic or benign to our knowledge

NM_006563.5(KLF1):c.978G>A (p.Leu326=)

Genes: KLF1 (KLF transcription factor 1; minus strand), LOC117125591 (CRISPRi-FlowFISH-validated PRDX2 and RAD23A regulatory element; plus strand). Cytogenetic location: 19p13.13.
Variant type: single nucleotide variant.
Coding change: c.978G>A on transcript NM_006563.5 (MANE Select); coding-DNA position 978, G replaced by A.
Protein change: p.Leu326=; no amino-acid change (leucine 326 retained).
Molecular consequence: synonymous variant.
Genome position (GRCh38, 1-based): chr19:12,884,996, C>T on the plus strand (G>A on the coding strand, the complement: KLF1 is on the minus strand). VCF-style: chr19-12884996-C-T. GRCh37 (hg19) VCF-style: chr19-12995810-C-T.
Identifiers: ClinVar variation 2505683 (VCV002505683.4), dbSNP rs200637478, ClinGen allele CA9233954.
Genomic context (GRCh38, chr19:12,884,996, plus strand): 5'-ACGTGGGCAGAGCTGGCAGCGGAAGGGGCGCTGCCCCGTGTGTTTCCGGTAGTGGCGGGT[C>T]AGCTCGTCCGAGCGCGCGAATCTCCAGCCGCAGCCTTCCCACGTGCAGGCGTATGGCTTC-3'
Protein context (NP_006554.1, residues 316-336): CGWRFARSDE[Leu326=]TRHYRKHTGQ